The following is an entry in ClinVar:

NM_000071.3(CBS):c.1226G>A (p.Trp409Ter)

Gene: CBS (cystathionine beta-synthase; minus strand). Cytogenetic location: 21q22.3.
Variant type: single nucleotide variant.
Coding change: c.1226G>A on transcript NM_000071.3 (MANE Select); coding-DNA position 1226, G replaced by A.
Protein change: p.Trp409Ter; replaces tryptophan 409 with a stop codon.
Molecular consequence: nonsense.
Genome position (GRCh38, 1-based): chr21:43,058,966, C>T on the plus strand (G>A on the coding strand, the complement: CBS is on the minus strand). VCF-style: chr21-43058966-C-T. GRCh37 (hg19) VCF-style: chr21-44479076-C-T.
Other names: c.1226G>A, p.Trp409Ter (NM_001178008.3, NM_001178009.3, NM_001320298.2); c.911G>A, p.Trp304Ter (NM_001321072.1); short protein forms W409*, W304*.
Identifiers: ClinVar variation 860504 (VCV000860504.12), dbSNP rs376916741, ClinGen allele CA321688102.
Genomic context (GRCh38, chr21:43,058,966, plus strand): 5'-ATGGTCGGGAGCACGGTCAGCGGGGCTGACAGGCCCAGCTCCTGAACACGGAGGTGCCAC[C>T]ACCTGAGGGAAGAGGGCAGGTCGGGGGGATCAGGATAAGGACAAACGCTCTCGCACCCCC-3'

ClinVar aggregate classification (germline): Pathogenic. Review status: criteria provided, multiple submitters, no conflicts (2 of 4 stars). 2 submissions from 2 submitters: Pathogenic (2). Last evaluated 2025-01-10.

Conditions:
HYPERHOMOCYSTEINEMIA, THROMBOTIC, CBS-RELATED. Identifiers: MedGen C3150344, OMIM 236200.
Classic homocystinuria. Also called: HOMOCYSTINURIA WITH OR WITHOUT RESPONSE TO PYRIDOXINE; Homocystinuria due to Cystathionine Beta-Synthase Deficiency; Homocystinuria due to CBS deficiency; Cystathionine beta-synthase deficiency; CBS deficiency. Identifiers: Orphanet 394, MedGen C0751202, MONDO:0009352, OMIM 236200.

Submissions (2):

Revvity Omics, Revvity
Classification: Pathogenic for Classic homocystinuria. Last evaluated: 2025-01-10. Review status: criteria provided, single submitter. Criteria: ACMG Guidelines, 2015. Collection method: clinical testing. Allele origin: germline.

Labcorp Genetics (formerly Invitae), Labcorp
Classification: Pathogenic for HYPERHOMOCYSTEINEMIA, THROMBOTIC, CBS-RELATED. Last evaluated: 2019-12-29. Review status: criteria provided, single submitter. Criteria: Invitae Variant Classification Sherloc (09022015). Collection method: clinical testing. Allele origin: germline.
Comment: For these reasons, this variant has been classified as Pathogenic. Loss-of-function variants in CBS are known to be pathogenic (PMID: 10338090, 12124992). Algorithms developed to predict the effect of sequence changes on RNA splicing suggest that this variant may create or strengthen a splice site, but this prediction has not been confirmed by published transcriptional studies. This variant has been observed in individual(s) with homocystinuria (PMID: 9266356). This variant is present in population databases (rs376916741, ExAC 0.03%). This sequence change creates a premature translational stop signal (p.Trp409*) in the CBS gene. It is expected to result in an absent or disrupted protein product.

Literature cited by the submitters: PubMed 10338090 (cited by Labcorp Genetics (formerly Invitae), Labcorp); PubMed 12124992 (cited by Labcorp Genetics (formerly Invitae), Labcorp); PubMed 9266356 (cited by Labcorp Genetics (formerly Invitae), Labcorp).